The following is an entry in ClinVar:

NM_004174.4(SLC9A3):c.1568C>T (p.Ser523Leu)

Genes: SLC9A3 (solute carrier family 9 member A3), SLC9A3-AS1 (SLC9A3 antisense RNA 1; plus strand). Cytogenetic location: 5p15.33.
Variant type: single nucleotide variant.
Coding change: c.1568C>T on transcript NM_004174.4 (MANE Select); coding-DNA position 1568, C replaced by T.
Protein change: p.Ser523Leu; replaces serine 523 with leucine.
Molecular consequence: missense variant. On other transcripts: non-coding transcript variant (1).
Genome position (GRCh38, 1-based): chr5:479,915, G>A on the plus strand (C>T on the coding strand, the complement: SLC9A3 is on the minus strand). VCF-style: chr5-479915-G-A. GRCh37 (hg19) VCF-style: chr5-480030-G-A.
Other names: c.1541C>T, p.Ser514Leu (NM_001284351.3); short protein forms S514L, S523L.
Identifiers: ClinVar variation 1465605 (VCV001465605.8), dbSNP rs1224136893, ClinGen allele CA359026484.

ClinVar aggregate classification (germline): Uncertain significance (1 of 4 stars; one submission).

Allele frequency attached by ClinVar (database versions not stated): gnomAD exomes below 0.00001; gnomAD 0.00001.
gnomAD v4.1: 5 of 1,613,778 alleles (0.00031%); highest among the groups gnomAD compares: African/African-American, 0.0013%; no homozygotes.

Submission:

Labcorp Genetics (formerly Invitae), Labcorp
Classification: Uncertain significance. Last evaluated: 2022-09-13. Review status: criteria provided, single submitter. Criteria: Invitae Variant Classification Sherloc (09022015). Collection method: clinical testing. Allele origin: germline.
Comment: This sequence change replaces serine, which is neutral and polar, with leucine, which is neutral and non-polar, at codon 523 of the SLC9A3 protein (p.Ser523Leu). This variant is not present in population databases (gnomAD no frequency). In summary, the available evidence is currently insufficient to determine the role of this variant in disease. Therefore, it has been classified as a Variant of Uncertain Significance. Advanced modeling of protein sequence and biophysical properties (such as structural, functional, and spatial information, amino acid conservation, physicochemical variation, residue mobility, and thermodynamic stability) performed at Invitae indicates that this missense variant is not expected to disrupt SLC9A3 protein function. ClinVar contains an entry for this variant (Variation ID: 1465605). This variant has not been reported in the literature in individuals affected with SLC9A3-related conditions.